The following is an entry in ClinVar:

NM_006218.4(PIK3CA):c.1004_1005del (p.Arg335fs)

Gene: PIK3CA (phosphatidylinositol-4,5-bisphosphate 3-kinase catalytic subunit alpha; plus strand). Cytogenetic location: 3q26.32.
Variant type: Deletion.
Coding change: c.1004_1005del on transcript NM_006218.4 (MANE Select); coding-DNA positions 1004 to 1005, 2 bases deleted (GA; older notation c.1004_1005delGA).
Protein change: p.Arg335fs; shifts the reading frame from arginine 335.
Molecular consequence: frameshift variant.
Genome position (GRCh38, 1-based): chr3:179,203,734-179,203,735, GA deleted; deleting any 2 consecutive bases within chr3:179,203,733-179,203,735 gives the same sequence; the c. name uses the placement nearest the transcript's 3' end. VCF-style (leftmost placement, unchanged base first): chr3-179203732-CAG-C. GRCh37 (hg19) VCF-style: chr3-178921520-CAG-C.
Other names: c.1004_1005del (LRG_310t1); short protein forms R335fs.
Identifiers: ClinVar variation 526633 (VCV000526633.7), dbSNP rs1553821123, ClinGen allele CA658796394.

ClinVar aggregate classification (germline): Uncertain significance (1 of 4 stars; one submission).

Conditions:
Cowden syndrome (CS). Also called: Cowden's disease; Cowden's syndrome; Cowden disease. Identifiers: Orphanet 201, MedGen C0018553, MONDO:0016063. Disease mechanism: gain of function.

Submission:

Labcorp Genetics (formerly Invitae), Labcorp
Classification: Uncertain significance for Cowden syndrome. Last evaluated: 2017-09-12. Review status: criteria provided, single submitter. Criteria: Invitae Variant Classification Sherloc (09022015). Collection method: clinical testing. Allele origin: germline.
Comment: In summary, the available evidence is currently insufficient to determine the role of this variant in disease. Therefore, it has been classified as a Variant of Uncertain Significance. The current clinical and genetic evidence is not sufficient to establish whether loss-of-function variants in PIK3CA cause disease. This variant has not been reported in the literature in individuals with PIK3CA-related disease. This variant is not present in population databases (ExAC no frequency). This sequence change creates a premature translational stop signal (p.Arg335Asnfs*17) in the PIK3CA gene. It is expected to result in an absent or disrupted protein product.